The following is an entry in ClinVar:

ClinVar aggregate classification (germline): Uncertain significance (1 of 4 stars; one submission).

Conditions:
ALG6-congenital disorder of glycosylation 1C (CDG1C). Also called: CDG Ic; Congenital disorder of glycosylation type 1C; CARBOHYDRATE-DEFICIENT GLYCOPROTEIN SYNDROME, TYPE I, WITH DEFICIENT GLYCOSYLATION OF DOLICHOL-LINKED OLIGOSACCHARIDE; CARBOHYDRATE-DEFICIENT GLYCOPROTEIN SYNDROME, TYPE V; Congenital disorder of glycosylation, type Ic. Identifiers: Orphanet 79320, MedGen C2930997, MONDO:0011291, OMIM 603147.

Submission:

Labcorp Genetics (formerly Invitae), Labcorp
Classification: Uncertain significance for ALG6-congenital disorder of glycosylation 1C. Last evaluated: 2022-06-04. Review status: criteria provided, single submitter. Criteria: Invitae Variant Classification Sherloc (09022015). Collection method: clinical testing. Allele origin: germline.
Comment: In summary, the available evidence is currently insufficient to determine the role of this variant in disease. Therefore, it has been classified as a Variant of Uncertain Significance. Variants that disrupt the consensus splice site are a relatively common cause of aberrant splicing (PMID: 17576681, 9536098). Algorithms developed to predict the effect of sequence changes on RNA splicing suggest that this variant may disrupt the consensus splice site. ClinVar contains an entry for this variant (Variation ID: 1521466). This variant has not been reported in the literature in individuals affected with ALG6-related conditions. This variant is not present in population databases (gnomAD no frequency). This sequence change falls in intron 13 of the ALG6 gene. It does not directly change the encoded amino acid sequence of the ALG6 protein. It affects a nucleotide within the consensus splice site.

Literature cited by the submitters: PubMed 17576681; PubMed 9536098.

NM_013339.4(ALG6):c.1127+4A>G

Gene: ALG6 (ALG6 alpha-1,3-glucosyltransferase; plus strand). Cytogenetic location: 1p31.3.
Variant type: single nucleotide variant.
Coding change: c.1127+4A>G on transcript NM_013339.4 (MANE Select); 4 bases into the intron after coding-DNA position 1127, A replaced by G.
Molecular consequence: intron variant.
Genome position (GRCh38, 1-based): chr1:63,428,805, A>G. VCF-style: chr1-63428805-A-G. GRCh37 (hg19) VCF-style: chr1-63894476-A-G.
Identifiers: ClinVar variation 1521466 (VCV001521466.6), dbSNP rs2100440455, ClinGen allele CA2573132544.